The following is an entry in ClinVar:

NM_001256447.2(BCAP31):c.500A>G (p.Lys167Arg)

Gene: BCAP31 (B cell receptor associated protein 31; minus strand). Cytogenetic location: Xq28.
Variant type: single nucleotide variant.
Coding change: c.500A>G on transcript NM_001256447.2 (MANE Select); coding-DNA position 500, A replaced by G.
Protein change: p.Lys167Arg; replaces lysine 167 with arginine.
Molecular consequence: missense variant.
Genome position (GRCh38, 1-based): chrX:153,703,036, T>C on the plus strand (A>G on the coding strand, the complement: BCAP31 is on the minus strand). VCF-style: chrX-153703036-T-C. GRCh37 (hg19) VCF-style: chrX-152968491-T-C.
Other names: c.500A>G, p.Lys167Arg (NM_001139441.1, NM_005745.8); c.701A>G, p.Lys234Arg (NM_001139457.2); short protein forms K234R, K167R.
Identifiers: ClinVar variation 2866685 (VCV002866685.3), dbSNP rs2522191785, ClinGen allele CA415093508.
Genomic context (GRCh38, chrX:153,703,036, plus strand): 5'-TCAGCCTTCAGGCTCCTGTTCTCTTCCTCCAACTTCACCTCAGCATTCCCGACATCCAAC[T>C]TGCCTCCGTCAACAGCAGCTCCCTGGGAAAAGTGCCAAAGGCCAGGGTTACTCAGGAGGG-3'
Protein context (NP_001243376.1, residues 157-177): LKKGAAVDGG[Lys167Arg]LDVGNAEVKL

ClinVar aggregate classification (germline): Uncertain significance (1 of 4 stars; one submission).

Allele frequency attached by ClinVar (database versions not stated): gnomAD exomes below 0.00001.
gnomAD v4.1: 1 of 1,209,488 alleles (0.000083%); highest among the groups gnomAD compares: Non-Finnish European, 0.00011%; no homozygotes.

Submission:

Labcorp Genetics (formerly Invitae), Labcorp
Classification: Uncertain significance. Last evaluated: 2023-07-03. Review status: criteria provided, single submitter. Criteria: Invitae Variant Classification Sherloc (09022015). Collection method: clinical testing. Allele origin: germline.
Comment: This sequence change replaces lysine, which is basic and polar, with arginine, which is basic and polar, at codon 167 of the BCAP31 protein (p.Lys167Arg). This variant is not present in population databases (gnomAD no frequency). This variant has not been reported in the literature in individuals affected with BCAP31-related conditions. An algorithm developed to predict the effect of missense changes on protein structure and function (PolyPhen-2) suggests that this variant is likely to be tolerated. In summary, the available evidence is currently insufficient to determine the role of this variant in disease. Therefore, it has been classified as a Variant of Uncertain Significance.